The following is an entry in ClinVar:

ClinVar aggregate classification (germline): Pathogenic. Review status: reviewed by expert panel (3 of 4 stars). 3 submissions from 3 submitters: Pathogenic (1). 2 of the submissions do not count toward it. Last evaluated 2022-10-14.

Conditions:
Phenylketonuria (PKU). Also called: Phenylketonuria (PKU); FOLLING DISEASE; OLIGOPHRENIA PHENYLPYRUVICA; Phenylketonurias. Identifiers: Orphanet 716, MedGen C0031485, MONDO:0009861, OMIM 261600. Disease mechanism: loss of function.

Submissions (3):

ClinGen PAH Variant Curation Expert Panel
Classification: Pathogenic for Phenylketonuria. Last evaluated: 2022-10-14. Review status: reviewed by expert panel. Criteria: ClinGen PAH ACMG Specifications v1. Collection method: curation. Allele origin: germline. Inheritance: Autosomal recessive inheritance.
Comment: This c.344_347del (p.Lys115fs) variant in PAH was detected with the c.1315+1G>A pathogenic variant and the c.1066-14C>G likely pathogenic variant in multiple patients with PKU, phasing was not available (PMID: 11207989, 28676969, 25551302). This variant was absent in population databases. This is a frameshift variant in exon 3 of 13 coding exons with termination at position 194 predicted to undergo nonsense mediated decay. In summary, this variant meets criteria to be classified as pathogenic for PAH. PAH-specific ACMG/AMP criteria applied: PVS1, PM2, PM3_Supporting, PP4.

Women's Health and Genetics/Laboratory Corporation of America, LabCorp
Classification: Pathogenic for Phenylketonuria. Last evaluated: 2020-03-01. Review status: criteria provided, single submitter. Criteria: LabCorp Variant Classification Summary - May 2015. Collection method: clinical testing. Allele origin: germline. Not counted in ClinVar's aggregate classification.
Comment: Variant summary: PAH c.344_347delAAGA (p.Lys115ThrfsX79) results in a premature termination codon, predicted to cause a truncation of the encoded protein or absence of the protein due to nonsense mediated decay, which are commonly known mechanisms for disease. Truncations downstream of this position have been classified as pathogenic by our laboratory. The variant was absent in 251430 control chromosomes. c.344_347delAAGA has been reported in the literature in individuals from diverse ethnicities affected with Phenylalanine Hydroxylase Deficiency (Phenylketonuria) (example, Kimura_2001, Razipour_2017) and has been subsequently cited by others. These data indicate that the variant is likely to be associated with disease. To our knowledge, no experimental evidence demonstrating an impact on protein function has been reported. No clinical diagnostic laboratories have submitted clinical-significance assessments for this variant to ClinVar after 2014. Based on the evidence outlined above, the variant was classified as pathogenic.

DeBelle Laboratory for Biochemical Genetics, MUHC/MCH RESEARCH INSTITUTE
No classification provided. Review status: no classification provided. Collection method: not provided. Allele origin: not provided. Not counted in ClinVar's aggregate classification.

Literature cited by the submitters: PubMed 28676969 (cited by Women's Health and Genetics/Laboratory Corporation of America, LabCorp); PubMed 11207989 (cited by Women's Health and Genetics/Laboratory Corporation of America, LabCorp).

NM_000277.3(PAH):c.344_347del (p.Lys115fs)

Gene: PAH (phenylalanine hydroxylase; minus strand). Cytogenetic location: 12q23.2.
Variant type: Microsatellite.
Coding change: c.344_347del on transcript NM_000277.3 (MANE Select); coding-DNA positions 344 to 347, 4 bases deleted (AAGA; older notation c.344_347delAAGA).
Protein change: p.Lys115fs; shifts the reading frame from lysine 115.
Molecular consequence: frameshift variant.
Genome position (GRCh38, 1-based): chr12:102,894,740-102,894,743, TCTT deleted on the plus strand (AAGA on the coding strand, the reverse complement: PAH is on the minus strand); deleting any 4 consecutive bases within chr12:102,894,740-102,894,747 gives the same sequence; the c. name uses the placement nearest the transcript's 3' end. VCF-style (leftmost placement, unchanged base first): chr12-102894739-GTCTT-G. GRCh37 (hg19) VCF-style: chr12-103288517-GTCTT-G.
Other names: NM_000277.3(PAH):c.344_347del; p.Lys115fs; c.344_347del, p.Lys115fs (NM_001354304.2); short protein forms K115fs.
Identifiers: ClinVar variation 102652 (VCV000102652.3), dbSNP rs199475648, ClinGen allele CA229518.